The following is an entry in ClinVar:

ClinVar aggregate classification (germline): Uncertain significance (1 of 4 stars; one submission).

Submission:

GeneDx
Classification: Uncertain significance. Last evaluated: 2024-08-16. Review status: criteria provided, single submitter. Criteria: GeneDx Variant Classification Process June 2021. Collection method: clinical testing. Allele origin: germline. Affected: yes.
Comment: Not observed at significant frequency in large population cohorts (gnomAD); In silico analysis indicates that this missense variant does not alter protein structure/function; Has not been previously published as pathogenic or benign to our knowledge

NM_003632.3(CNTNAP1):c.2761G>A (p.Glu921Lys)

Gene: CNTNAP1 (contactin associated protein 1; plus strand). Cytogenetic location: 17q21.2.
Variant type: single nucleotide variant.
Coding change: c.2761G>A on transcript NM_003632.3 (MANE Select); coding-DNA position 2761, G replaced by A.
Protein change: p.Glu921Lys; replaces glutamic acid 921 with lysine.
Molecular consequence: missense variant.
Genome position (GRCh38, 1-based): chr17:42,693,305, G>A. VCF-style: chr17-42693305-G-A. GRCh37 (hg19) VCF-style: chr17-40845323-G-A.
Other names: short protein forms E921K.
Identifiers: ClinVar variation 3731113 (VCV003731113.1).
Genomic context (GRCh38, chr17:42,693,305, plus strand): 5'-CACCGCGCCTGGCCCTGCCTCCATTTCTTGACCTGTTGCCTACCCTTCCCAGGATCTGCA[G>A]AGCTTAAGAGACGCCCCTTTGTGGGTTGCTTGAGGGCCATGCGTCTGAACGGAGTGACTC-3'
Protein context (NP_003623.1, residues 911-931): YDQPLYVGSA[Glu921Lys]LKRRPFVGCL